The following is an entry in ClinVar:

ClinVar aggregate classification (germline): Pathogenic/Likely pathogenic. Review status: criteria provided, multiple submitters, no conflicts (2 of 4 stars). 2 submissions from 2 submitters: Pathogenic (1); Likely pathogenic (1). Last evaluated 2025-10-10.

Conditions:
Kabuki syndrome 1 (KABUK1). Also called: KMT2D-Related Kabuki Syndrome. Identifiers: Orphanet 2322, MedGen CN030661, MONDO:0007843, OMIM 147920.
Kabuki syndrome. Also called: NIIKAWA-KUROKI SYNDROME; Kabuki make-up syndrome. Identifiers: Orphanet 2322, MedGen C0796004, MONDO:0016512.

Submissions (2):

Variantyx, Inc.
Classification: Likely pathogenic for Kabuki syndrome 1. Last evaluated: 2025-10-10. Review status: criteria provided, single submitter. Criteria: Variantyx Assertion Criteria 2022. Collection method: clinical testing. Allele origin: germline. Inheritance: Autosomal dominant inheritance. Affected: yes.
Comment: This is a frameshift variant in the KMT2D gene (OMIM: 602113). Pathogenic variants in this gene have been associated with autosomal dominant Kabuki syndrome 1. This variant introduces a premature termination codon in exon 52 out of 55 and is expected to result in loss of function, which is a known disease mechanism for KMT2D in this disorder (PMID: 20711175, 21671394, 21607748) (PVS1). This variant is absent from control populations (PM2). Based on the current evidence, this variant is classified as likely pathogenic for autosomal dominant Kabuki syndrome 1.

Labcorp Genetics (formerly Invitae), Labcorp
Classification: Pathogenic for Kabuki syndrome. Last evaluated: 2022-11-06. Review status: criteria provided, single submitter. Criteria: Invitae Variant Classification Sherloc (09022015). Collection method: clinical testing. Allele origin: germline.
Comment: This sequence change creates a premature translational stop signal (p.Lys5384Glnfs*75) in the KMT2D gene. It is expected to result in an absent or disrupted protein product. Loss-of-function variants in KMT2D are known to be pathogenic (PMID: 22126750). This variant is not present in population databases (gnomAD no frequency). This variant has not been reported in the literature in individuals affected with KMT2D-related conditions. For these reasons, this variant has been classified as Pathogenic.

Literature cited by the submitters: PubMed 20711175 (cited by Variantyx, Inc.); PubMed 21671394 (cited by Variantyx, Inc.); PubMed 21607748 (cited by Variantyx, Inc.); PubMed 22126750 (cited by Labcorp Genetics (formerly Invitae), Labcorp).

NM_003482.4(KMT2D):c.16149dup (p.Lys5384fs)

Gene: KMT2D (lysine methyltransferase 2D; minus strand). Cytogenetic location: 12q13.12.
Variant type: Duplication.
Coding change: c.16149dup on transcript NM_003482.4 (MANE Select); coding-DNA position 16149, one base duplicated (C; older notation c.16149dupC).
Protein change: p.Lys5384fs; shifts the reading frame from lysine 5384.
Molecular consequence: frameshift variant.
Genome position (GRCh38, 1-based): chr12:49,022,779, G duplicated on the plus strand (C on the coding strand, the reverse complement: KMT2D is on the minus strand); the first of 2 consecutive G bases (chr12:49,022,779-49,022,780); duplicating either gives the same sequence. VCF-style (leftmost placement, unchanged base first): chr12-49022778-T-TG. GRCh37 (hg19) VCF-style: chr12-49416561-T-TG.
Other names: short protein forms K5384fs.
Identifiers: ClinVar variation 2812334 (VCV002812334.3), dbSNP rs2499026487, ClinGen allele CA2739272012.